The following is an entry in ClinVar:

NM_018706.7(DHTKD1):c.239A>C (p.Gln80Pro)

Gene: DHTKD1 (dehydrogenase E1 and transketolase domain containing 1; plus strand). Cytogenetic location: 10p14.
Variant type: single nucleotide variant.
Coding change: c.239A>C on transcript NM_018706.7 (MANE Select); coding-DNA position 239, A replaced by C.
Protein change: p.Gln80Pro; replaces glutamine 80 with proline.
Molecular consequence: missense variant.
Genome position (GRCh38, 1-based): chr10:12,081,556, A>C. VCF-style: chr10-12081556-A-C. GRCh37 (hg19) VCF-style: chr10-12123555-A-C.
Other names: short protein forms Q80P.
Identifiers: ClinVar variation 2823734 (VCV002823734.3), dbSNP rs2491465761, ClinGen allele CA376014652.

ClinVar aggregate classification (germline): Uncertain significance (1 of 4 stars; one submission).

Conditions:
2-aminoadipic 2-oxoadipic aciduria (AAKAD). Also called: Aminoadipic aciduria; ALPHA-AMINOADIPIC AND ALPHA-KETOADIPIC ACIDURIA. Identifiers: Orphanet 79154, MedGen C1859817, MONDO:0008774, OMIM 204750.

Allele frequency attached by ClinVar (database versions not stated): gnomAD exomes below 0.00001.
gnomAD v4.1: 1 of 1,614,158 alleles (0.000062%); no homozygotes.

Submission:

Labcorp Genetics (formerly Invitae), Labcorp
Classification: Uncertain significance for 2-aminoadipic 2-oxoadipic aciduria. Last evaluated: 2022-12-24. Review status: criteria provided, single submitter. Criteria: Invitae Variant Classification Sherloc (09022015). Collection method: clinical testing. Allele origin: germline.
Comment: In summary, the available evidence is currently insufficient to determine the role of this variant in disease. Therefore, it has been classified as a Variant of Uncertain Significance. Advanced modeling of protein sequence and biophysical properties (such as structural, functional, and spatial information, amino acid conservation, physicochemical variation, residue mobility, and thermodynamic stability) performed at Invitae indicates that this missense variant is not expected to disrupt DHTKD1 protein function. This variant has not been reported in the literature in individuals affected with DHTKD1-related conditions. This variant is not present in population databases (gnomAD no frequency). This sequence change replaces glutamine, which is neutral and polar, with proline, which is neutral and non-polar, at codon 80 of the DHTKD1 protein (p.Gln80Pro).